The following is an entry in ClinVar:

NM_198529.4(EFCAB5):c.1286G>A (p.Arg429Gln)

Gene: EFCAB5 (EF-hand calcium binding domain 5; plus strand). Cytogenetic location: 17q11.2.
Variant type: single nucleotide variant.
Coding change: c.1286G>A on transcript NM_198529.4 (MANE Select); coding-DNA position 1286, G replaced by A.
Protein change: p.Arg429Gln; replaces arginine 429 with glutamine.
Molecular consequence: missense variant. On other transcripts: non-coding transcript variant (1).
Genome position (GRCh38, 1-based): chr17:30,051,203, G>A. VCF-style: chr17-30051203-G-A. GRCh37 (hg19) VCF-style: chr17-28378221-G-A.
Other names: c.1286G>A (NM_198529.3); c.1118G>A, p.Arg373Gln (NM_001145053.2); short protein forms R373Q, R429Q.
Identifiers: ClinVar variation 2647619 (VCV002647619.25), dbSNP rs148490262, ClinGen allele CA8478758.

ClinVar aggregate classification (germline): Likely benign. Review status: criteria provided, single submitter (1 of 4 stars). 2 submissions from 2 submitters: Likely benign (1). 1 of the submissions does not count toward it. Last evaluated 2023-03-01.

Conditions:
EFCAB5-related disorder. Also called: EFCAB5-related condition.

Allele frequency attached by ClinVar (database versions not stated): 1000 Genomes Project 30x 0.00172; 1000 Genomes Project 0.00220; TOPMed 0.00425; gnomAD 0.00455; ExAC 0.00518; ESP Exome Variant Server 0.00686.
gnomAD v4.1: 10,248 of 1,613,904 alleles (0.63%); highest among the groups gnomAD compares: Middle Eastern, 0.84%; 38 homozygotes.

Submissions (2):

CeGaT Center for Human Genetics Tuebingen
Classification: Likely benign. Last evaluated: 2023-03-01. Review status: criteria provided, single submitter. Criteria: CeGaT Center For Human Genetics Tuebingen Variant Classification Criteria Version 2. Collection method: clinical testing. Allele origin: germline. Affected: yes. Observed: 2 variant alleles.
Comment: EFCAB5: BP4, BS2

PreventionGenetics, part of Exact Sciences
Classification: Benign for EFCAB5-related condition. Last evaluated: 2019-05-31. Review status: no assertion criteria provided. Collection method: clinical testing. Allele origin: germline. Not counted in ClinVar's aggregate classification.
Comment: This variant is classified as benign based on ACMG/AMP sequence variant interpretation guidelines (Richards et al. 2015 PMID: 25741868, with internal and published modifications).